The following is an entry in ClinVar:

NM_000257.4(MYH7):c.2381G>T (p.Gly794Val)

Genes: MYH7 (myosin heavy chain 7; minus strand), LOC126861898 (BRD4-independent group 4 enhancer GRCh37_chr14:23893609-23894808; plus strand). Cytogenetic location: 14q11.2.
Variant type: single nucleotide variant.
Coding change: c.2381G>T on transcript NM_000257.4 (MANE Select); coding-DNA position 2381, G replaced by T.
Protein change: p.Gly794Val; replaces glycine 794 with valine.
Molecular consequence: missense variant.
Genome position (GRCh38, 1-based): chr14:23,425,324, C>A on the plus strand (G>T on the coding strand, the complement: MYH7 is on the minus strand). VCF-style: chr14-23425324-C-A. GRCh37 (hg19) VCF-style: chr14-23894533-C-A.
Other names: c.2381G>T, p.Gly794Val (NM_001407004.1); short protein forms G794V.
Identifiers: ClinVar variation 3636032 (VCV003636032.2).

ClinVar aggregate classification (germline): Uncertain significance (1 of 4 stars; one submission).

Conditions:
Hypertrophic cardiomyopathy. Also called: HYPERTROPHIC MYOCARDIOPATHY. Identifiers: Orphanet 217569, MedGen C0007194, MeSH D002312, MONDO:0005045, HP:0001639.

Submission:

Labcorp Genetics (formerly Invitae), Labcorp
Classification: Uncertain significance for Hypertrophic cardiomyopathy. Last evaluated: 2024-09-29. Review status: criteria provided, single submitter. Criteria: Invitae Variant Classification Sherloc (09022015). Collection method: clinical testing. Allele origin: germline.
Comment: This sequence change replaces glycine, which is neutral and non-polar, with valine, which is neutral and non-polar, at codon 794 of the MYH7 protein (p.Gly794Val). This variant is not present in population databases (gnomAD no frequency). This variant has not been reported in the literature in individuals affected with MYH7-related conditions. Invitae Evidence Modeling of protein sequence and biophysical properties (such as structural, functional, and spatial information, amino acid conservation, physicochemical variation, residue mobility, and thermodynamic stability) indicates that this missense variant is expected to disrupt MYH7 protein function with a positive predictive value of 95%. In summary, the available evidence is currently insufficient to determine the role of this variant in disease. Therefore, it has been classified as a Variant of Uncertain Significance.